The following is an entry in ClinVar:

NM_021008.4(DEAF1):c.1588C>T (p.Arg530Cys)

Gene: DEAF1 (DEAF1 transcription factor; minus strand). Cytogenetic location: 11p15.5.
Variant type: single nucleotide variant.
Coding change: c.1588C>T on transcript NM_021008.4 (MANE Select); coding-DNA position 1588, C replaced by T.
Protein change: p.Arg530Cys; replaces arginine 530 with cysteine.
Molecular consequence: missense variant.
Genome position (GRCh38, 1-based): chr11:653,967, G>A on the plus strand (C>T on the coding strand, the complement: DEAF1 is on the minus strand). VCF-style: chr11-653967-G-A. GRCh37 (hg19) VCF-style: chr11-653967-G-A.
Other names: c.1363C>T, p.Arg455Cys (NM_001293634.2); c.862C>T, p.Arg288Cys (NM_001367390.1); short protein forms R530C, R455C, R288C.
Identifiers: ClinVar variation 420360 (VCV000420360.8), dbSNP rs147630756, ClinGen allele CA5786150.

ClinVar aggregate classification (germline): Uncertain significance. Review status: criteria provided, multiple submitters, no conflicts (2 of 4 stars). 3 submissions from 3 submitters: Uncertain significance (3). Last evaluated 2025-12-19.

Conditions:
Inborn genetic diseases. Identifiers: MedGen C0950123, MeSH D030342.

Allele frequency attached by ClinVar (database versions not stated): gnomAD 0.00002; gnomAD exomes 0.00002; ExAC 0.00003; TOPMed 0.00003; ESP Exome Variant Server 0.00015.
gnomAD v4.1: 22 of 1,613,900 alleles (0.0014%); highest among the groups gnomAD compares: Admixed American, 0.0067%; no homozygotes.

Submissions (3):

Labcorp Genetics (formerly Invitae), Labcorp
Classification: Uncertain significance. Last evaluated: 2025-12-19. Review status: criteria provided, single submitter. Criteria: Invitae Variant Classification Sherloc (09022015). Collection method: clinical testing. Allele origin: germline.
Comment: This sequence change replaces arginine, which is basic and polar, with cysteine, which is neutral and slightly polar, at codon 530 of the DEAF1 protein (p.Arg530Cys). This variant is present in population databases (rs147630756, gnomAD 0.009%). This variant has not been reported in the literature in individuals affected with DEAF1-related conditions. ClinVar contains an entry for this variant (Variation ID: 420360). Invitae Evidence Modeling of protein sequence and biophysical properties (such as structural, functional, and spatial information, amino acid conservation, physicochemical variation, residue mobility, and thermodynamic stability) indicates that this missense variant is expected to disrupt DEAF1 protein function with a positive predictive value of 80%. In summary, the available evidence is currently insufficient to determine the role of this variant in disease. Therefore, it has been classified as a Variant of Uncertain Significance.

Ambry Genetics
Classification: Uncertain significance for Inborn genetic diseases. Last evaluated: 2025-08-04. Review status: criteria provided, single submitter. Criteria: Ambry Variant Classification Scheme 2023. Collection method: clinical testing. Allele origin: germline.

GeneDx
Classification: Uncertain significance. Last evaluated: 2016-01-20. Review status: criteria provided, single submitter. Criteria: GeneDx Variant Classification (06012015). Collection method: clinical testing. Allele origin: germline. Affected: yes.
Comment: The R530C variant in the DEAF1 gene has not been reported previously as a pathogenic variant, nor as a benignvariant, to our knowledge. The R530C variant was not observed at any significant frequency in approximately 6500individuals of European and African American ancestry in the NHLBI Exome Sequencing Project, indicating it is nota common benign variant in these populations. The R530C variant is a non-conservative amino acid substitution,which is likely to impact secondary protein structure as these residues differ in polarity, charge, size and/or otherproperties. This substitution occurs at a position that is conserved across species and in silico analysis predicts thisvariant is probably damaging to the protein structure/function. We interpret R530C as a variant of uncertainsignificance.